The following is an entry in ClinVar:

NM_001042681.2(RERE):c.3789C>T (p.His1263=)

Gene: RERE (arginine-glutamic acid dipeptide repeats; minus strand). Cytogenetic location: 1p36.23.
Variant type: single nucleotide variant.
Coding change: c.3789C>T on transcript NM_001042681.2 (MANE Select); coding-DNA position 3789, C replaced by T.
Protein change: p.His1263=; no amino-acid change (histidine 1263 retained).
Molecular consequence: synonymous variant.
Genome position (GRCh38, 1-based): chr1:8,358,746, G>A on the plus strand (C>T on the coding strand, the complement: RERE is on the minus strand). VCF-style: chr1-8358746-G-A. GRCh37 (hg19) VCF-style: chr1-8418806-G-A.
Other names: c.2127C>T, p.His709= (NM_001042682.2); c.3789C>T, p.His1263= (NM_012102.4).
Identifiers: ClinVar variation 4821052 (VCV004821052.4).

ClinVar aggregate classification (germline): Likely benign (1 of 4 stars; one submission).

gnomAD v4.1: 61 of 1,609,958 alleles (0.0038%); highest among the groups gnomAD compares: South Asian, 0.011%; no homozygotes.

Submission:

CeGaT Center for Human Genetics Tuebingen
Classification: Likely benign. Last evaluated: 2026-03-01. Review status: criteria provided, single submitter. Criteria: CeGaT Center For Human Genetics Tuebingen Variant Classification Criteria Version 2. Collection method: clinical testing. Allele origin: germline. Affected: yes. Observed: 1 variant allele.
Comment: RERE: BP4, BP7